The following is an entry in ClinVar:

NM_000138.5(FBN1):c.6424T>C (p.Cys2142Arg)

Gene: FBN1 (fibrillin 1; minus strand). Cytogenetic location: 15q21.1.
Variant type: single nucleotide variant.
Coding change: c.6424T>C on transcript NM_000138.5 (MANE Select); coding-DNA position 6424, T replaced by C.
Protein change: p.Cys2142Arg; replaces cysteine 2142 with arginine.
Molecular consequence: missense variant.
Genome position (GRCh38, 1-based): chr15:48,437,033, A>G on the plus strand (T>C on the coding strand, the complement: FBN1 is on the minus strand). VCF-style: chr15-48437033-A-G. GRCh37 (hg19) VCF-style: chr15-48729230-A-G.
Other names: short protein forms C2142R.
Identifiers: ClinVar variation 1457950 (VCV001457950.8), dbSNP rs1555395203, ClinGen allele CA392336616.
Genomic context (GRCh38, chr15:48,437,033, plus strand): 5'-TCCCTGCTAGAATATAACCAAAGGGACACTCGCAGCGATAGGAACCATCTGTATTGATGC[A>G]CTGTCCATGTTTACAGACATCGGGTTCTTTGCATTCGTCCATATCTTAAGCAAGAGAAAA-3'
Protein context (NP_000129.3, residues 2132-2152): KEPDVCKHGQ[Cys2142Arg]INTDGSYRCE

ClinVar aggregate classification (germline): Pathogenic (1 of 4 stars; one submission).

Conditions:
Marfan syndrome (MFS). Also called: MARFAN SYNDROME, TYPE I; Marfan syndrome type 1; Marfan's syndrome; Marfan syndrome, classic; FBN1-Related Marfan Syndrome. Identifiers: Orphanet 284963, Orphanet 558, MedGen C0024796, MONDO:0007947, OMIM 154700.
Familial thoracic aortic aneurysm and aortic dissection (TAAD). Also called: Thoracic aortic aneurysms and dissections. Identifiers: Orphanet 91387, MedGen C4707243, MONDO:0019625.

Submission:

Labcorp Genetics (formerly Invitae), Labcorp
Classification: Pathogenic for Marfan syndrome; Familial thoracic aortic aneurysm and aortic dissection. Last evaluated: 2022-04-07. Review status: criteria provided, single submitter. Criteria: Invitae Variant Classification Sherloc (09022015). Collection method: clinical testing. Allele origin: germline.
Comment: For these reasons, this variant has been classified as Pathogenic. This variant disrupts the p.Cys2142 amino acid residue in FBN1. Other variant(s) that disrupt this residue have been observed in individuals with FBN1-related conditions (PMID: 10425041), which suggests that this may be a clinically significant amino acid residue. This variant affects a cysteine residue in the EGF-like, TGFBP or hybrid motif domains of FBN1. Cysteine residues are believed to be involved in intramolecular disulfide bridges and have been shown to be important for FBN1 protein structure (PMID: 16905551, 19349279). In addition, missense substitutions affecting cysteine residues within these domains are significantly overrepresented among patients with Marfan syndrome (PMID: 16571647, 17701892). Advanced modeling of protein sequence and biophysical properties (such as structural, functional, and spatial information, amino acid conservation, physicochemical variation, residue mobility, and thermodynamic stability) performed at Invitae indicates that this missense variant is expected to disrupt FBN1 protein function. This missense change has been observed in individuals with clinical features of Marfan syndrome (PMID: 30087447; Invitae). This variant is not present in population databases (gnomAD no frequency). This sequence change replaces cysteine, which is neutral and slightly polar, with arginine, which is basic and polar, at codon 2142 of the FBN1 protein (p.Cys2142Arg).

Literature cited by the submitters: PubMed 10425041; PubMed 16905551; PubMed 19349279; PubMed 16571647; PubMed 17701892; PubMed 30087447.